The following is an entry in ClinVar:

NM_001111125.3(IQSEC2):c.70C>T (p.Leu24=)

Gene: IQSEC2 (IQ motif and Sec7 domain ArfGEF 2; minus strand). Cytogenetic location: Xp11.22.
Variant type: single nucleotide variant.
Coding change: c.70C>T on transcript NM_001111125.3 (MANE Select); coding-DNA position 70, C replaced by T.
Protein change: p.Leu24=; no amino-acid change (leucine 24 retained).
Molecular consequence: synonymous variant.
Genome position (GRCh38, 1-based): chrX:53,321,054, G>A on the plus strand (C>T on the coding strand, the complement: IQSEC2 is on the minus strand). VCF-style: chrX-53321054-G-A. GRCh37 (hg19) VCF-style: chrX-53350252-G-A.
Other names: c.70C>T, p.Leu24= (NM_001410736.1).
Identifiers: ClinVar variation 3341883 (VCV003341883.16).

ClinVar aggregate classification (germline): Likely benign (1 of 4 stars; one submission).

Submission:

CeGaT Center for Human Genetics Tuebingen
Classification: Likely benign. Last evaluated: 2024-08-01. Review status: criteria provided, single submitter. Criteria: CeGaT Center For Human Genetics Tuebingen Variant Classification Criteria Version 2. Collection method: clinical testing. Allele origin: germline. Affected: yes. Observed: 1 variant allele.
Comment: IQSEC2: PM2:Supporting, BP4, BP7